The following is an entry in ClinVar:

ClinVar aggregate classification (germline): Uncertain significance (1 of 4 stars; one submission).

Submission:

Labcorp Genetics (formerly Invitae), Labcorp
Classification: Uncertain significance. Last evaluated: 2022-10-17. Review status: criteria provided, single submitter. Criteria: Invitae Variant Classification Sherloc (09022015). Collection method: clinical testing. Allele origin: germline.
Comment: This variant has not been reported in the literature in individuals affected with PDE6C-related conditions. Algorithms developed to predict the effect of missense changes on protein structure and function output the following: SIFT: "Tolerated"; PolyPhen-2: "Benign"; Align-GVGD: "Class C0". The glutamic acid amino acid residue is found in multiple mammalian species, which suggests that this missense change does not adversely affect protein function. In summary, the available evidence is currently insufficient to determine the role of this variant in disease. Therefore, it has been classified as a Variant of Uncertain Significance. This variant is not present in population databases (gnomAD no frequency). This sequence change replaces aspartic acid, which is acidic and polar, with glutamic acid, which is acidic and polar, at codon 484 of the PDE6C protein (p.Asp484Glu).

NM_006204.4(PDE6C):c.1452C>A (p.Asp484Glu)

Gene: PDE6C (phosphodiesterase 6C; plus strand). Cytogenetic location: 10q23.33.
Variant type: single nucleotide variant.
Coding change: c.1452C>A on transcript NM_006204.4 (MANE Select); coding-DNA position 1452, C replaced by A.
Protein change: p.Asp484Glu; replaces aspartic acid 484 with glutamic acid.
Molecular consequence: missense variant.
Genome position (GRCh38, 1-based): chr10:93,637,033, C>A. VCF-style: chr10-93637033-C-A. GRCh37 (hg19) VCF-style: chr10-95396790-C-A.
Other names: short protein forms D484E.
Identifiers: ClinVar variation 2075408 (VCV002075408.4), dbSNP rs1337602598, ClinGen allele CA377616258.